The following is an entry in ClinVar:

NM_000742.4(CHRNA2):c.450-1G>T

Gene: CHRNA2 (cholinergic receptor nicotinic alpha 2 subunit; minus strand). Cytogenetic location: 8p21.2.
Variant type: single nucleotide variant.
Coding change: c.450-1G>T on transcript NM_000742.4 (MANE Select); the canonical splice acceptor site of the intron before coding-DNA position 450, G replaced by T.
Molecular consequence: splice acceptor variant. On other transcripts: intron variant (4).
Genome position (GRCh38, 1-based): chr8:27,463,994, C>A on the plus strand (G>T on the coding strand, the complement: CHRNA2 is on the minus strand). VCF-style: chr8-27463994-C-A. GRCh37 (hg19) VCF-style: chr8-27321511-C-A.
Other names: c.-23-6G>T (NM_001347705.2, NM_001347706.2); c.405-1G>T (NM_001282455.2); c.-12-134G>T (NM_001347708.2); c.-9-137G>T (NM_001347707.2).
Identifiers: ClinVar variation 2891650 (VCV002891650.3), dbSNP rs2490544249, ClinGen allele CA370811584.

ClinVar aggregate classification (germline): Uncertain significance (1 of 4 stars; one submission).

Conditions:
Familial sleep-related hypermotor epilepsy. Also called: Autosomal Dominant Sleep-Related Hypermotor (Hyperkinetic) Epilepsy. Identifiers: Orphanet 98784, MedGen C3696898, MONDO:0000030.

Submission:

Labcorp Genetics (formerly Invitae), Labcorp
Classification: Uncertain significance. Last evaluated: 2023-08-18. Review status: criteria provided, single submitter. Criteria: Invitae Variant Classification Sherloc (09022015). Collection method: clinical testing. Allele origin: germline.
Comment: This sequence change affects an acceptor splice site in intron 5 of the CHRNA2 gene. It is expected to disrupt RNA splicing. Variants that disrupt the donor or acceptor splice site typically lead to a loss of protein function (PMID: 16199547), however the current clinical and genetic evidence is not sufficient to establish whether loss-of-function variants in CHRNA2 cause disease. In summary, the available evidence is currently insufficient to determine the role of this variant in disease. Therefore, it has been classified as a Variant of Uncertain Significance. Algorithms developed to predict the effect of sequence changes on RNA splicing suggest that this variant may disrupt the consensus splice site. This variant has not been reported in the literature in individuals affected with CHRNA2-related conditions. This variant is not present in population databases (gnomAD no frequency).

Literature cited by the submitters: PubMed 16199547.